The following is an entry in ClinVar:

NM_017777.4(MKS1):c.1201del (p.Val401fs)

Gene: MKS1 (MKS transition zone complex subunit 1; minus strand). Cytogenetic location: 17q22.
Variant type: Deletion.
Coding change: c.1201del on transcript NM_017777.4 (MANE Select); coding-DNA position 1201, one base deleted (G; older notation c.1201delG).
Protein change: p.Val401fs; shifts the reading frame from valine 401.
Molecular consequence: frameshift variant.
Genome position (GRCh38, 1-based): chr17:58,207,966, C deleted on the plus strand (G on the coding strand, the reverse complement: MKS1 is on the minus strand); the first of 2 consecutive C bases (chr17:58,207,966-58,207,967); deleting either gives the same sequence. VCF-style (leftmost placement, unchanged base first): chr17-58207965-AC-A. GRCh37 (hg19) VCF-style: chr17-56285326-AC-A.
Other names: c.592del, p.Val198fs (NM_001321268.2); c.1201del, p.Val401fs (NM_001321269.2, NM_001330397.2, NM_001411113.1); short protein forms V198fs, V401fs.
Identifiers: ClinVar variation 5015307 (VCV005015307.1).
Genomic context (GRCh38, chr17:58,207,965, plus strand): 5'-GGCAGCACCACAGCCCCATAGCCTTCCACACGGTACCTCTGCCAGAAGTCCAGCGAGAGG[AC>A]CTCACAGTAGAGCACAGGCCACTCCGGGAGTGCATCTGGGAGCAAGGAGAGAAGCGGCCA-3'

ClinVar aggregate classification (germline): Pathogenic (1 of 4 stars; one submission).

Conditions:
Ciliopathy. Also called: Ciliopathies. Identifiers: Orphanet 363250, MedGen C4277690, MONDO:0005308, MeSH D000072661.

Submission:

Myriad Genetics, Inc.
Classification: Pathogenic for Ciliopathy. Last evaluated: 2025-12-11. Review status: criteria provided, single submitter. Criteria: Myriad Autosomal Dominant, Autosomal Recessive and X-Linked Classification Criteria (2023). Collection method: clinical testing. Allele origin: unknown.
Comment: NM_017777.3(MKS1):c.1201delG(V401Sfs*29) is expected to be pathogenic in the context of MKS1-related disorders. This variant is predicted to lead to an abnormal or absent protein product due to the creation of a premature termination codon in MKS1, a gene where loss-of-function variants are known to be pathogenic. Please note: this variant was assessed in the context of healthy population screening.